The following is an entry in ClinVar:

ClinVar aggregate classification (germline): Conflicting classifications of pathogenicity. Review status: criteria provided, conflicting classifications (1 of 4 stars). 3 submissions from 3 submitters: Uncertain significance (1); Benign (1). 1 of the submissions does not count toward it. Last evaluated 2025-06-09.

Conditions:
Hereditary cancer-predisposing syndrome. Also called: Hereditary Cancer Syndrome; Neoplastic Syndromes, Hereditary; Tumor predisposition; Hereditary neoplastic syndrome. Identifiers: Orphanet 140162, MedGen C0027672, MeSH D009386, MONDO:0015356.
Breast-ovarian cancer, familial, susceptibility to, 2 (BROVCA2). Also called: BRCA2 Hereditary Breast and Ovarian Cancer. Identifiers: Orphanet 145, MedGen C2675520, MONDO:0012933, OMIM 612555. Disease mechanism: loss of function.
Hereditary breast ovarian cancer syndrome. Also called: Hereditary breast and/or ovarian cancer syndrome; BRCA1- and BRCA2-Associated Hereditary Breast and Ovarian Cancer; Hereditary breast and ovarian cancer syndrome (HBOC); Hereditary breast and ovarian cancer; Hereditary breast and ovarian cancer syndrome; Breast and ovarian cancer. Identifiers: Orphanet 145, MedGen C0677776, MeSH D061325, MONDO:0003582. Disease mechanism: loss of function.

Submissions (3):

Labcorp Genetics (formerly Invitae), Labcorp
Classification: Uncertain significance for Hereditary breast ovarian cancer syndrome. Last evaluated: 2025-06-09. Review status: criteria provided, single submitter. Criteria: Invitae Variant Classification Sherloc (09022015). Collection method: clinical testing. Allele origin: germline.
Comment: This sequence change replaces lysine, which is basic and polar, with arginine, which is basic and polar, at codon 2950 of the BRCA2 protein (p.Lys2950Arg). This variant is not present in population databases (gnomAD no frequency). This variant has not been reported in the literature in individuals affected with BRCA2-related conditions. ClinVar contains an entry for this variant (Variation ID: 233050). Invitae Evidence Modeling of protein sequence and biophysical properties (such as structural, functional, and spatial information, amino acid conservation, physicochemical variation, residue mobility, and thermodynamic stability) indicates that this missense variant is not expected to disrupt BRCA2 protein function with a negative predictive value of 95%. In summary, the available evidence is currently insufficient to determine the role of this variant in disease. Therefore, it has been classified as a Variant of Uncertain Significance.

Ambry Genetics
Classification: Benign for Hereditary cancer-predisposing syndrome. Last evaluated: 2025-05-22. Review status: criteria provided, single submitter. Criteria: Ambry Variant Classification Scheme 2023. Collection method: clinical testing. Allele origin: germline.

Sharing Clinical Reports Project (SCRP)
Classification: Uncertain significance for Breast-ovarian cancer, familial 2. Last evaluated: 2010-08-30. Review status: no assertion criteria provided. Collection method: clinical testing. Allele origin: germline. Not counted in ClinVar's aggregate classification.

NM_000059.4(BRCA2):c.8849A>G (p.Lys2950Arg)

Gene: BRCA2 (BRCA2 DNA repair associated; plus strand). Cytogenetic location: 13q13.1.
Variant type: single nucleotide variant.
Coding change: c.8849A>G on transcript NM_000059.4 (MANE Select); coding-DNA position 8849, A replaced by G.
Protein change: p.Lys2950Arg; replaces lysine 2950 with arginine.
Molecular consequence: missense variant.
Genome position (GRCh38, 1-based): chr13:32,379,411, A>G. VCF-style: chr13-32379411-A-G. GRCh37 (hg19) VCF-style: chr13-32953548-A-G.
Other names: 9077A>G; short protein forms K2950R.
Identifiers: ClinVar variation 233050 (VCV000233050.9), dbSNP rs876660155, ClinGen allele CA10579799.